The following is an entry in ClinVar:

ClinVar aggregate classification (germline): Uncertain significance (1 of 4 stars; one submission).

Submission:

Labcorp Genetics (formerly Invitae), Labcorp
Classification: Uncertain significance. Last evaluated: 2022-11-15. Review status: criteria provided, single submitter. Criteria: Invitae Variant Classification Sherloc (09022015). Collection method: clinical testing. Allele origin: germline.
Comment: This sequence change replaces cysteine, which is neutral and slightly polar, with tryptophan, which is neutral and slightly polar, at codon 444 of the NACC1 protein (p.Cys444Trp). This variant is not present in population databases (gnomAD no frequency). This variant has not been reported in the literature in individuals affected with NACC1-related conditions. ClinVar contains an entry for this variant (Variation ID: 1355869). Advanced modeling of protein sequence and biophysical properties (such as structural, functional, and spatial information, amino acid conservation, physicochemical variation, residue mobility, and thermodynamic stability) performed at Invitae indicates that this missense variant is not expected to disrupt NACC1 protein function. In summary, the available evidence is currently insufficient to determine the role of this variant in disease. Therefore, it has been classified as a Variant of Uncertain Significance.

NM_052876.4(NACC1):c.1332C>G (p.Cys444Trp)

Gene: NACC1 (nucleus accumbens associated 1; plus strand). Cytogenetic location: 19p13.13.
Variant type: single nucleotide variant.
Coding change: c.1332C>G on transcript NM_052876.4 (MANE Select); coding-DNA position 1332, C replaced by G.
Protein change: p.Cys444Trp; replaces cysteine 444 with tryptophan.
Molecular consequence: missense variant.
Genome position (GRCh38, 1-based): chr19:13,138,154, C>G. VCF-style: chr19-13138154-C-G. GRCh37 (hg19) VCF-style: chr19-13248968-C-G.
Other names: short protein forms C444W.
Identifiers: ClinVar variation 1355869 (VCV001355869.6), dbSNP rs2145626332, ClinGen allele CA404329856.
Genomic context (GRCh38, chr19:13,138,154, plus strand): 5'-TTGTGGGAGTCACCTGGCCCCCGTGCCAAGGCCGCACCCACCCTGCCCCACAGACTACTG[C>G]CAGAACTTCGCCCCCAACTTCAAGGAGAGCGAGATGAATGCCATCGCGGCCGACATGTGC-3'
Protein context (NP_443108.1, residues 434-454): SRVLHAVKYY[Cys444Trp]QNFAPNFKES